The following is an entry in ClinVar:

ClinVar aggregate classification (germline): Uncertain significance (1 of 4 stars; one submission).

Conditions:
Atrial fibrillation, familial, 6 (ATFB6). Identifiers: MedGen C2677294, MONDO:0012816, OMIM 612201.

Allele frequency attached by ClinVar (database versions not stated): ESP Exome Variant Server 0.00008.
gnomAD v4.1: 6 of 1,613,938 alleles (0.00037%); highest among the groups gnomAD compares: African/African-American, 0.008%; no homozygotes.

Submission:

Labcorp Genetics (formerly Invitae), Labcorp
Classification: Uncertain significance for Atrial fibrillation, familial, 6. Last evaluated: 2025-09-14. Review status: criteria provided, single submitter. Criteria: Invitae Variant Classification Sherloc (09022015). Collection method: clinical testing. Allele origin: germline.
Comment: This sequence change replaces glycine, which is neutral and non-polar, with cysteine, which is neutral and slightly polar, at codon 21 of the NPPA protein (p.Gly21Cys). This variant is present in population databases (rs138410047, gnomAD 0.02%). This variant has not been reported in the literature in individuals affected with NPPA-related conditions. ClinVar contains an entry for this variant (Variation ID: 2893222). An algorithm developed to predict the effect of missense changes on protein structure and function (PolyPhen-2) suggests that this variant is likely to be disruptive. In summary, the available evidence is currently insufficient to determine the role of this variant in disease. Therefore, it has been classified as a Variant of Uncertain Significance.

NM_006172.4(NPPA):c.61G>T (p.Gly21Cys)

Genes: NPPA (natriuretic peptide A; minus strand), LOC114827827 (VISTA enhancer hs2123; plus strand). Cytogenetic location: 1p36.22.
Variant type: single nucleotide variant.
Coding change: c.61G>T on transcript NM_006172.4 (MANE Select); coding-DNA position 61, G replaced by T.
Protein change: p.Gly21Cys; replaces glycine 21 with cysteine.
Molecular consequence: missense variant.
Genome position (GRCh38, 1-based): chr1:11,847,624, C>A on the plus strand (G>T on the coding strand, the complement: NPPA is on the minus strand). VCF-style: chr1-11847624-C-A. GRCh37 (hg19) VCF-style: chr1-11907681-C-A.
Other names: short protein forms G21C.
Identifiers: ClinVar variation 2893222 (VCV002893222.3), dbSNP rs138410047, ClinGen allele CA597121.
Genomic context (GRCh38, chr1:11,847,624, plus strand): 5'-TGAAATCCATCAGGTCTGCGTTGGACACGGCATTGTACATGGGATTAGCTCTGGTCTGAC[C>A]TAGGAGCTGGAATGCCAGTAAAAGGAGGAAGCTCACGGTGGTGGTGGAGAAGGAGCTCAT-3'
Protein context (NP_006163.1, residues 11-31): FLLLLAFQLL[Gly21Cys]QTRANPMYNA